The following is an entry in ClinVar:

NM_001379291.1(BRD4):c.2924CACCACCCC[3] (p.Pro980_Gln981insProProPro)

Gene: BRD4 (bromodomain containing 4; minus strand). Cytogenetic location: 19p13.12.
Variant type: Microsatellite.
Coding change: c.2924CACCACCCC[3] on transcript NM_001379291.1 (MANE Select); three copies in a row of the 9-base unit CACCACCCC starting at c.2924; the reference has two copies in a row; one copy, 9 bases duplicated.
Protein change: p.Pro980_Gln981insProProPro.
Molecular consequence: inframe insertion.
Genome position (GRCh38, 1-based): chr19:15,243,128-15,243,136, GGGGTGGTG duplicated on the plus strand (CACCACCCC on the coding strand, the reverse complement: BRD4 is on the minus strand); duplicating any 9 consecutive bases within chr19:15,243,128-15,243,146 gives the same sequence; the position shown is the placement nearest the transcript's 3' end. VCF-style (leftmost placement, unchanged base first): chr19-15243127-T-TGGGGTGGTG. GRCh37 (hg19) VCF-style: chr19-15353938-T-TGGGGTGGTG.
Other names: c.2924CACCACCCC[3], p.Pro980_Gln981insProProPro (NM_058243.3).
Identifiers: ClinVar variation 1899339 (VCV001899339.5), dbSNP rs758265124, ClinGen allele CA783643424.
Genomic context (GRCh38, chr19:15,243,127, plus strand): 5'-GGCTGCAAGTGCACGGGCCGTGGAGGGGGCTGATGCTGCTGCTGGGGTGGAGGCTGGGGC[T>TGGGGTGGTG]GGGGTGGTGGGGGTGGTGGCGGCTGCTGCTGCAGCTGCTGCTGCACAGAGGGGTGGGGTG-3'

ClinVar aggregate classification (germline): Uncertain significance (1 of 4 stars; one submission).

Submission:

Labcorp Genetics (formerly Invitae), Labcorp
Classification: Uncertain significance. Last evaluated: 2025-06-22. Review status: criteria provided, single submitter. Criteria: Invitae Variant Classification Sherloc (09022015). Collection method: clinical testing. Allele origin: germline.
Comment: This variant, c.2933_2941dup, results in the insertion of 3 amino acid(s) of the BRD4 protein (p.Pro978_Pro980dup), but otherwise preserves the integrity of the reading frame. This variant is not present in population databases (gnomAD no frequency). This variant has not been reported in the literature in individuals affected with BRD4-related conditions. In summary, the available evidence is currently insufficient to determine the role of this variant in disease. Therefore, it has been classified as a Variant of Uncertain Significance.